The following is an entry in ClinVar:

ClinVar aggregate classification (germline): Likely pathogenic (1 of 4 stars; one submission).

Submission:

Labcorp Genetics (formerly Invitae), Labcorp
Classification: Likely pathogenic. Last evaluated: 2023-11-10. Review status: criteria provided, single submitter. Criteria: Invitae Variant Classification Sherloc (09022015). Collection method: clinical testing. Allele origin: germline.
Comment: This sequence change replaces glycine, which is neutral and non-polar, with arginine, which is basic and polar, at codon 693 of the COL4A1 protein (p.Gly693Arg). This variant is not present in population databases (gnomAD no frequency). This variant has not been reported in the literature in individuals affected with COL4A1-related conditions. An algorithm developed to predict the effect of missense changes on protein structure and function (PolyPhen-2) suggests that this variant is likely to be tolerated. This variant disrupts the triple helix domain of COL4A1. Glycine residues within the Gly-Xaa-Yaa repeats of the triple helix domain are required for the structure and stability of fibrillar collagens (PMID: 7695699, 8218237, 19344236). In COL4A1 variants affecting these glycine residues are significantly enriched in individuals with disease (PMID: 9016532, 17078022) compared to the general population (ExAC). In summary, the currently available evidence indicates that the variant is pathogenic, but additional data are needed to prove that conclusively. Therefore, this variant has been classified as Likely Pathogenic.

Literature cited by the submitters: PubMed 7695699; PubMed 8218237; PubMed 19344236; PubMed 9016532; PubMed 17078022.

NM_001845.6(COL4A1):c.2077G>C (p.Gly693Arg)

Gene: COL4A1 (collagen type IV alpha 1 chain; minus strand). Cytogenetic location: 13q34.
Variant type: single nucleotide variant.
Coding change: c.2077G>C on transcript NM_001845.6 (MANE Select); coding-DNA position 2077, G replaced by C.
Protein change: p.Gly693Arg; replaces glycine 693 with arginine.
Molecular consequence: missense variant.
Genome position (GRCh38, 1-based): chr13:110,183,011, C>G on the plus strand (G>C on the coding strand, the complement: COL4A1 is on the minus strand). VCF-style: chr13-110183011-C-G. GRCh37 (hg19) VCF-style: chr13-110835358-C-G.
Other names: short protein forms G693R.
Identifiers: ClinVar variation 2694589 (VCV002694589.3), dbSNP rs2501791541, ClinGen allele CA388669077.